The following is an entry in ClinVar:

NM_004006.3(DMD):c.442A>G (p.Thr148Ala)

Gene: DMD (dystrophin; minus strand). Cytogenetic location: Xp21.1.
Variant type: single nucleotide variant.
Coding change: c.442A>G on transcript NM_004006.3 (MANE Select); coding-DNA position 442, A replaced by G.
Protein change: p.Thr148Ala; replaces threonine 148 with alanine.
Molecular consequence: missense variant.
Genome position (GRCh38, 1-based): chrX:32,816,556, T>C on the plus strand (A>G on the coding strand, the complement: DMD is on the minus strand). VCF-style: chrX-32816556-T-C. GRCh37 (hg19) VCF-style: chrX-32834673-T-C.
Other names: c.418A>G, p.Thr140Ala (NM_000109.4); c.430A>G, p.Thr144Ala (NM_004009.3); c.73A>G, p.Thr25Ala (NM_004010.3); short protein forms T148A, T25A, T144A, T140A.
Identifiers: ClinVar variation 4702916 (VCV004702916.1).
Genomic context (GRCh38, chrX:32,816,556, plus strand): 5'-CCAGGCCATCAGACCAGCTGGTGGTGAAGTTGATTACATTAACCTGTGGATAATTACGAG[T>C]TGATTGTCGGACCCAGCTCAGGAGAATCTTTTCACTGTTGGTTTGTTGCAATCCAGCCAT-3'
Protein context (NP_003997.2, residues 138-158): KILLSWVRQS[Thr148Ala]RNYPQVNVIN

ClinVar aggregate classification (germline): Uncertain significance (1 of 4 stars; one submission).

Conditions:
Duchenne muscular dystrophy (DMD). Also called: MUSCULAR DYSTROPHY, PSEUDOHYPERTROPHIC PROGRESSIVE, DUCHENNE TYPE; Duchenne Muscular Dystrophy (DMD). Identifiers: Orphanet 98896, MedGen C0013264, MONDO:0010679, OMIM 310200.

Submission:

Labcorp Genetics (formerly Invitae), Labcorp
Classification: Uncertain significance for Duchenne muscular dystrophy. Last evaluated: 2025-06-30. Review status: criteria provided, single submitter. Criteria: Invitae Variant Classification Sherloc (09022015). Collection method: clinical testing. Allele origin: germline.
Comment: This sequence change replaces threonine, which is neutral and polar, with alanine, which is neutral and non-polar, at codon 148 of the DMD protein (p.Thr148Ala). This variant is not present in population databases (gnomAD no frequency). This variant has not been reported in the literature in individuals affected with DMD-related conditions. Invitae Evidence Modeling of protein sequence and biophysical properties (such as structural, functional, and spatial information, amino acid conservation, physicochemical variation, residue mobility, and thermodynamic stability) indicates that this missense variant is not expected to disrupt DMD protein function with a negative predictive value of 95%. In summary, the available evidence is currently insufficient to determine the role of this variant in disease. Therefore, it has been classified as a Variant of Uncertain Significance.